The following is an entry in ClinVar:

NM_022124.6(CDH23):c.5023G>A (p.Val1675Ile)

Gene: CDH23 (cadherin related 23; plus strand). Cytogenetic location: 10q22.1.
Variant type: single nucleotide variant.
Coding change: c.5023G>A on transcript NM_022124.6 (MANE Select); coding-DNA position 5023, G replaced by A.
Protein change: p.Val1675Ile; replaces valine 1675 with isoleucine.
Molecular consequence: missense variant.
Genome position (GRCh38, 1-based): chr10:71,777,857, G>A. VCF-style: chr10-71777857-G-A. GRCh37 (hg19) VCF-style: chr10-73537614-G-A.
Other names: short protein forms V1675I.
Identifiers: ClinVar variation 45960 (VCV000045960.27), dbSNP rs17712523, ClinGen allele CA137452.

ClinVar aggregate classification (germline): Benign/Likely benign. Review status: criteria provided, multiple submitters, no conflicts (2 of 4 stars). 13 submissions from 11 submitters: Benign (10); Likely benign (1). 2 of the submissions do not count toward it. Last evaluated 2026-06-26.

Conditions:
Usher syndrome type 1 (USH1). Also called: RETINITIS PIGMENTOSA AND CONGENITAL DEAFNESS. Identifiers: Orphanet 231169, Orphanet 886, MedGen C1568247, MONDO:0010168, OMIM 276900.
Usher syndrome type 1D (USH1D). Also called: USHER SYNDROME, TYPE ID. Identifiers: Orphanet 231169, Orphanet 886, MedGen C1832845, MONDO:0010984, OMIM 601067.
Autosomal recessive nonsyndromic hearing loss 12. Also called: DEAFNESS, AUTOSOMAL RECESSIVE 12. Identifiers: Orphanet 90636, MedGen C1832394, MONDO:0011067, OMIM 601386.

Allele frequency attached by ClinVar (database versions not stated): ExAC 0.17889; ESP Exome Variant Server 0.14097; gnomAD 0.14536 and 0.14757; 1000 Genomes Project 30x 0.12867; 1000 Genomes Project 0.13219; TOPMed 0.13377; gnomAD exomes 0.17934.
gnomAD v4.1: 310,830 of 1,613,690 alleles (19%); highest among the groups gnomAD compares: Non-Finnish European, 21%; 31,390 homozygotes.

Submissions (13):

Women's Health and Genetics/Laboratory Corporation of America, LabCorp
Classification: Likely benign. Last evaluated: 2026-06-26. Review status: criteria provided, single submitter. Criteria: LabCorp Variant Classification Summary - May 2015. Collection method: clinical testing. Allele origin: germline.

Labcorp Genetics (formerly Invitae), Labcorp
Classification: Benign. Last evaluated: 2026-02-04. Review status: criteria provided, single submitter. Criteria: Invitae Variant Classification Sherloc (09022015). Collection method: clinical testing. Allele origin: germline.

Genome-Nilou Lab
Classification: Benign for Usher syndrome type 1D. Last evaluated: 2021-07-01. Review status: criteria provided, single submitter. Criteria: ACMG Guidelines, 2015. Collection method: clinical testing. Allele origin: germline. Affected: no.

Genome-Nilou Lab
Classification: Benign for Autosomal recessive nonsyndromic hearing loss 12. Last evaluated: 2021-07-01. Review status: criteria provided, single submitter. Criteria: ACMG Guidelines, 2015. Collection method: clinical testing. Allele origin: germline. Affected: no.

Mayo Clinic Laboratories, Mayo Clinic
Classification: Benign. Last evaluated: 2020-10-20. Review status: criteria provided, single submitter. Criteria: ACMG Guidelines, 2015. Collection method: clinical testing. Allele origin: germline. Observed: 51 variant alleles.

Illumina Laboratory Services, Illumina
Classification: Benign for Usher syndrome type 1D. Last evaluated: 2018-01-13. Review status: criteria provided, single submitter. Criteria: ICSL Variant Classification Criteria 13 December 2019. Collection method: clinical testing. Allele origin: germline.
Comment: This variant was observed in the ICSL laboratory as part of a predisposition screen in an ostensibly healthy population. It had not been previously curated by ICSL or reported in the Human Gene Mutation Database (HGMD: prior to June 1st, 2018), and was therefore a candidate for classification through an automated scoring system. Utilizing variant allele frequency, disease prevalence and penetrance estimates, and inheritance mode, an automated score was calculated to assess if this variant is too frequent to cause the disease. Based on the score and internal cut-off values, a variant classified as benign is not then subjected to further curation. The score for this variant resulted in a classification of benign for this disease.

Illumina Laboratory Services, Illumina
Classification: Benign for Autosomal recessive nonsyndromic hearing loss 12. Last evaluated: 2018-01-13. Review status: criteria provided, single submitter. Criteria: ICSL Variant Classification Criteria 13 December 2019. Collection method: clinical testing. Allele origin: germline.
Comment: the same text as in the submission from Illumina Laboratory Services, Illumina above.

PreventionGenetics, part of Exact Sciences
Classification: Benign. Last evaluated: 2016-04-11. Review status: criteria provided, single submitter. Criteria: ACMG Guidelines, 2015. Collection method: clinical testing. Allele origin: germline.

GeneDx
Classification: Benign. Last evaluated: 2015-03-03. Review status: criteria provided, single submitter. Criteria: GeneDx Variant Classification Process June 2021. Collection method: clinical testing. Allele origin: germline. Affected: yes.

Laboratory for Molecular Medicine, Mass General Brigham Personalized Medicine
Classification: Benign. Last evaluated: 2009-06-12. Review status: criteria provided, single submitter. Criteria: LMM Criteria. Collection method: clinical testing. Allele origin: germline. Observed: 648 variant alleles.

Breakthrough Genomics
Classification: Benign. Review status: criteria provided, single submitter. Criteria: ACMG Guidelines, 2015. Collection method: not provided. Allele origin: germline. Inheritance: Autosomal recessive inheritance. Affected: yes.

Natera, Inc.
Classification: Benign for Usher syndrome type 1. Last evaluated: 2020-09-16. Review status: no assertion criteria provided. Collection method: clinical testing. Allele origin: germline. Not counted in ClinVar's aggregate classification.

NEI Ophthalmic Genomics Laboratory, National Institutes of Health
No classification provided. Review status: no classification provided. Collection method: not provided. Allele origin: not provided. Not counted in ClinVar's aggregate classification.